The following is an entry in ClinVar:

NM_002907.4(RECQL):c.1495A>G (p.Ile499Val)

Gene: RECQL (RecQ like helicase; minus strand). Cytogenetic location: 12p12.1.
Variant type: single nucleotide variant.
Coding change: c.1495A>G on transcript NM_002907.4 (MANE Select); coding-DNA position 1495, A replaced by G.
Protein change: p.Ile499Val; replaces isoleucine 499 with valine.
Molecular consequence: missense variant.
Genome position (GRCh38, 1-based): chr12:21,471,600, T>C on the plus strand (A>G on the coding strand, the complement: RECQL is on the minus strand). VCF-style: chr12-21471600-T-C. GRCh37 (hg19) VCF-style: chr12-21624534-T-C.
Other names: c.1495A>G, p.Ile499Val (NM_032941.3); short protein forms I499V.
Identifiers: ClinVar variation 1309353 (VCV001309353.2), dbSNP rs2137317227, ClinGen allele CA384116293.
Genomic context (GRCh38, chr12:21,471,600, plus strand): 5'-AAGAATCAATCAGTTTCAATGGAGTGAGTTTTTCATTCAGTTCCTCTGCCTGCTTCAGGA[T>C]CTTGATTAGATCTCTGCAGTACTCTGTTATGTTCTTTCTTTCAAATGCTGTAATAAAACA-3'
Protein context (NP_002898.2, residues 489-509): ITEYCRDLIK[Ile499Val]LKQAEELNEK

ClinVar aggregate classification (germline): Uncertain significance (1 of 4 stars; one submission).

Submission:

GeneDx
Classification: Uncertain significance. Last evaluated: 2019-10-14. Review status: criteria provided, single submitter. Criteria: GeneDx Variant Classification Process June 2021. Collection method: clinical testing. Allele origin: germline. Affected: yes.
Comment: Not observed in large population cohorts (Lek 2016); In silico analysis, which includes protein predictors and evolutionary conservation, supports that this variant does not alter protein structure/function; Has not been previously published as pathogenic or benign to our knowledge